The following is an entry in ClinVar:

ClinVar aggregate classification (germline): Uncertain significance. Review status: criteria provided, multiple submitters, no conflicts (2 of 4 stars). 2 submissions from 2 submitters: Uncertain significance (2). Last evaluated 2026-04-20.

Conditions:
Inborn genetic diseases. Identifiers: MedGen C0950123, MeSH D030342.

Submissions (2):

Ambry Genetics
Classification: Uncertain significance for Inborn genetic diseases. Last evaluated: 2026-04-20. Review status: criteria provided, single submitter. Criteria: Ambry Variant Classification Scheme 2023. Collection method: clinical testing. Allele origin: germline.
Comment: The p.E1417G variant (also known as c.4250A>G), located in coding exon 1 of the SAMD9 gene, results from an A to G substitution at nucleotide position 4250. The glutamic acid at codon 1417 is replaced by glycine, an amino acid with similar properties. This amino acid position is conserved. In addition, this alteration is predicted to be tolerated by in silico analysis. Based on the available evidence, the clinical significance of this variant remains unclear.

Labcorp Genetics (formerly Invitae), Labcorp
Classification: Uncertain significance. Last evaluated: 2025-11-27. Review status: criteria provided, single submitter. Criteria: Invitae Variant Classification Sherloc (09022015). Collection method: clinical testing. Allele origin: germline.
Comment: This sequence change replaces glutamic acid, which is acidic and polar, with glycine, which is neutral and non-polar, at codon 1417 of the SAMD9 protein (p.Glu1417Gly). This variant is not present in population databases (gnomAD no frequency). This variant has not been reported in the literature in individuals affected with SAMD9-related conditions. Invitae Evidence Modeling of protein sequence and biophysical properties (such as structural, functional, and spatial information, amino acid conservation, physicochemical variation, residue mobility, and thermodynamic stability) indicates that this missense variant is not expected to disrupt SAMD9 protein function with a negative predictive value of 95%. In summary, the available evidence is currently insufficient to determine the role of this variant in disease. Therefore, it has been classified as a Variant of Uncertain Significance.

NM_017654.4(SAMD9):c.4250A>G (p.Glu1417Gly)

Gene: SAMD9 (sterile alpha motif domain containing 9; minus strand). Cytogenetic location: 7q21.2.
Variant type: single nucleotide variant.
Coding change: c.4250A>G on transcript NM_017654.4 (MANE Select); coding-DNA position 4250, A replaced by G.
Protein change: p.Glu1417Gly; replaces glutamic acid 1417 with glycine.
Molecular consequence: missense variant.
Genome position (GRCh38, 1-based): chr7:93,101,848, T>C on the plus strand (A>G on the coding strand, the complement: SAMD9 is on the minus strand). VCF-style: chr7-93101848-T-C. GRCh37 (hg19) VCF-style: chr7-92731161-T-C.
Other names: c.4250A>G, p.Glu1417Gly (NM_001193307.2); c.4250A>G (NM_017654.3); short protein forms E1417G.
Identifiers: ClinVar variation 4807245 (VCV004807245.2).